The following is an entry in ClinVar:

NM_000090.4(COL3A1):c.4273A>G (p.Ser1425Gly)

Gene: COL3A1 (collagen type III alpha 1 chain; plus strand). Cytogenetic location: 2q32.2.
Variant type: single nucleotide variant.
Coding change: c.4273A>G on transcript NM_000090.4 (MANE Select); coding-DNA position 4273, A replaced by G.
Protein change: p.Ser1425Gly; replaces serine 1425 with glycine.
Molecular consequence: missense variant.
Genome position (GRCh38, 1-based): chr2:189,011,646, A>G. VCF-style: chr2-189011646-A-G. GRCh37 (hg19) VCF-style: chr2-189876372-A-G.
Other names: short protein forms S1425G.
Identifiers: ClinVar variation 519615 (VCV000519615.19), dbSNP rs1415901923, ClinGen allele CA349850238.
Genomic context (GRCh38, chr2:189,011,646, plus strand): 5'-ATTGTAATGTCATGATCATGTACATTTTGTCCTTTTTTACAGAAACACACTGGGGAATGG[A>G]GCAAAACAGTCTTTGAATATCGAACACGCAAGGCTGTGAGACTACCTATTGTAGATATTG-3'
Protein context (NP_000081.2, residues 1415-1435): DGCTKHTGEW[Ser1425Gly]KTVFEYRTRK

ClinVar aggregate classification (germline): Conflicting classifications of pathogenicity. Review status: criteria provided, conflicting classifications (1 of 4 stars). 6 submissions from 6 submitters: Uncertain significance (3); Benign (1); Likely benign (2). Last evaluated 2025-12-29.

Conditions:
Ehlers-Danlos syndrome, type 4 (EDSVASC). Also called: Ehlers-Danlos syndrome vascular type; Ehlers Danlos syndrome, ecchymotic type; Ehlers Danlos syndrome, arterial type; Ehlers Danlos syndrome, Sack-Barabas type; Ehlers-Danlos Syndrome Type IV. Identifiers: Orphanet 286, MedGen C0268338, MONDO:0017314, OMIM 130050.
Familial thoracic aortic aneurysm and aortic dissection (TAAD). Also called: Thoracic aortic aneurysms and dissections. Identifiers: Orphanet 91387, MedGen C4707243, MONDO:0019625.

Allele frequency attached by ClinVar (database versions not stated): gnomAD 0.00001; TOPMed 0.00001.
gnomAD v4.1: 2 of 1,613,878 alleles (0.00012%); highest among the groups gnomAD compares: Non-Finnish European, 0.00017%; no homozygotes.

Submissions (6):

Labcorp Genetics (formerly Invitae), Labcorp
Classification: Uncertain significance for Ehlers-Danlos syndrome, type 4. Last evaluated: 2025-12-29. Review status: criteria provided, single submitter. Criteria: Invitae Variant Classification Sherloc (09022015). Collection method: clinical testing. Allele origin: germline.
Comment: This sequence change replaces serine, which is neutral and polar, with glycine, which is neutral and non-polar, at codon 1425 of the COL3A1 protein (p.Ser1425Gly). This variant is not present in population databases (gnomAD no frequency). This variant has not been reported in the literature in individuals affected with COL3A1-related conditions. ClinVar contains an entry for this variant (Variation ID: 519615). Invitae Evidence Modeling of protein sequence and biophysical properties (such as structural, functional, and spatial information, amino acid conservation, physicochemical variation, residue mobility, and thermodynamic stability) indicates that this missense variant is not expected to disrupt COL3A1 protein function with a negative predictive value of 95%. In summary, the available evidence is currently insufficient to determine the role of this variant in disease. Therefore, it has been classified as a Variant of Uncertain Significance.

Color Diagnostics, LLC DBA Color Health
Classification: Likely benign for Familial thoracic aortic aneurysm and aortic dissection. Last evaluated: 2024-09-12. Review status: criteria provided, single submitter. Criteria: ACMG Guidelines, 2015. Collection method: clinical testing. Allele origin: germline.

All of Us Research Program, National Institutes of Health
Classification: Likely benign for Ehlers-Danlos syndrome, type 4. Last evaluated: 2023-10-02. Review status: criteria provided, single submitter. Criteria: ACMG Guidelines, 2015. Collection method: clinical testing. Allele origin: germline. Inheritance: Autosomal dominant inheritance. Observed: 1 variant allele, 1 heterozygote.
Comment: This study involves interpretation of variants in research participants for the purpose of population health screening. Participant phenotype was not available at the time of variant classification. Additional details can be found in publication PMID: 35346344, PMCID: PMC8962531

Women's Health and Genetics/Laboratory Corporation of America, LabCorp
Classification: Uncertain significance. Last evaluated: 2023-03-27. Review status: criteria provided, single submitter. Criteria: LabCorp Variant Classification Summary - May 2015. Collection method: clinical testing. Allele origin: germline.
Comment: Variant summary: COL3A1 c.4273A>G (p.Ser1425Gly) results in a non-conservative amino acid change located in the Fibrillar collagen, C-terminal domain (IPR000885) of the encoded protein sequence. Three of five in-silico tools predict a benign effect of the variant on protein function. The variant was absent in 251360 control chromosomes. The available data on variant occurrences in the general population are insufficient to allow any conclusion about variant significance. To our knowledge, no occurrence of c.4273A>G in individuals affected with Ehlers-Danlos Syndrome, Vascular Type and no experimental evidence demonstrating its impact on protein function have been reported. Four clinical diagnostic laboratories have submitted clinical-significance assessments for this variant to ClinVar after 2014 and classified the variant as benign/likely benign (n=2) and as uncertain significance (n=2). Based on the evidence outlined above, the variant was classified as uncertain significance.

GeneDx
Classification: Uncertain significance. Last evaluated: 2021-02-16. Review status: criteria provided, single submitter. Criteria: GeneDx Variant Classification Process June 2021. Collection method: clinical testing. Allele origin: germline. Affected: yes.
Comment: Has not been previously published as pathogenic or benign to our knowledge; Reported in ClinVar (ClinVar Variant ID# 519615; Landrum et al., 2016); Not observed in large population cohorts (Lek et al., 2016); In silico analysis supports that this missense variant does not alter protein structure/function; Not located in the triple helical region, where the majority of pathogenic missense variants occur (Stenson et al., 2014)

Ambry Genetics
Classification: Benign for Familial thoracic aortic aneurysm and aortic dissection. Last evaluated: 2017-07-20. Review status: criteria provided, single submitter. Criteria: Ambry Variant Classification Scheme 2023. Collection method: clinical testing. Allele origin: germline.